The following is an entry in ClinVar:

ClinVar aggregate classification (germline): Uncertain significance. Review status: criteria provided, multiple submitters, no conflicts (2 of 4 stars). 5 submissions from 5 submitters: Uncertain significance (5). Last evaluated 2024-01-04.

Conditions:
Inborn genetic diseases. Identifiers: MedGen C0950123, MeSH D030342.
Jeune thoracic dystrophy. Also called: Jeune syndrome; Infantile thoracic dystrophy; Thoracic pelvic phalangeal dystrophy; Jeune's syndrome; Chondroectodermal dysplasia-like syndrome; Short-rib thoracic dysplasia. Identifiers: Orphanet 474, MedGen C0265275, MONDO:0018770.
Nephronophthisis. Also called: Juvenile Nephronophthisis. Identifiers: Orphanet 655, MedGen C0687120, MONDO:0019005, HP:0000090.
Nephronophthisis 12 (NPHP12). Identifiers: Orphanet 655, MedGen C3151186, MONDO:0013442, OMIM 613820.
Asphyxiating thoracic dystrophy 4 (SRTD4). Also called: SHORT-RIB THORACIC DYSPLASIA 4 WITH OR WITHOUT POLYDACTYLY; SHORT-RIB THORACIC DYSPLASIA 4. Identifiers: Orphanet 474, MedGen C3151185, MONDO:0013441, OMIM 613819.

Allele frequency attached by ClinVar (database versions not stated): TOPMed 0.00002; 1000 Genomes Project 30x 0.00016.
gnomAD v4.1: 84 of 1,613,150 alleles (0.0052%); highest among the groups gnomAD compares: South Asian, 0.038%; no homozygotes.

Submissions (5):

Fulgent Genetics
Classification: Uncertain significance for Asphyxiating thoracic dystrophy 4; Nephronophthisis 12. Last evaluated: 2024-01-04. Review status: criteria provided, single submitter. Criteria: ACMG Guidelines, 2015. Collection method: clinical testing. Allele origin: germline.

Labcorp Genetics (formerly Invitae), Labcorp
Classification: Uncertain significance for Jeune thoracic dystrophy; Nephronophthisis. Last evaluated: 2022-09-27. Review status: criteria provided, single submitter. Criteria: Invitae Variant Classification Sherloc (09022015). Collection method: clinical testing. Allele origin: germline.
Comment: This sequence change replaces alanine, which is neutral and non-polar, with serine, which is neutral and polar, at codon 350 of the TTC21B protein (p.Ala350Ser). This variant is present in population databases (rs752711108, gnomAD 0.03%). This variant has not been reported in the literature in individuals affected with TTC21B-related conditions. ClinVar contains an entry for this variant (Variation ID: 1034074). Advanced modeling of protein sequence and biophysical properties (such as structural, functional, and spatial information, amino acid conservation, physicochemical variation, residue mobility, and thermodynamic stability) performed at Invitae indicates that this missense variant is not expected to disrupt TTC21B protein function. In summary, the available evidence is currently insufficient to determine the role of this variant in disease. Therefore, it has been classified as a Variant of Uncertain Significance.

Ambry Genetics
Classification: Uncertain significance for Inborn genetic diseases. Last evaluated: 2021-10-20. Review status: criteria provided, single submitter. Criteria: Ambry Variant Classification Scheme 2023. Collection method: clinical testing. Allele origin: germline.

Baylor Genetics
Classification: Uncertain significance for Nephronophthisis 12. Last evaluated: 2018-04-10. Review status: criteria provided, single submitter. Criteria: ACMG Guidelines, 2015. Collection method: clinical testing. Allele origin: unknown. Affected: yes.
Comment: This variant was determined to be of uncertain significance according to ACMG Guidelines, 2015 [PMID:25741868].

Breakthrough Genomics
Classification: Uncertain significance. Review status: criteria provided, single submitter. Criteria: ACMG Guidelines, 2015. Collection method: not provided. Allele origin: germline. Inheritance: Autosomal recessive inheritance. Affected: yes.

NM_024753.5(TTC21B):c.1048G>T (p.Ala350Ser)

Gene: TTC21B (tetratricopeptide repeat domain 21B; minus strand). Cytogenetic location: 2q24.3.
Variant type: single nucleotide variant.
Coding change: c.1048G>T on transcript NM_024753.5 (MANE Select); coding-DNA position 1048, G replaced by T.
Protein change: p.Ala350Ser; replaces alanine 350 with serine.
Molecular consequence: missense variant.
Genome position (GRCh38, 1-based): chr2:165,930,211, C>A on the plus strand (G>T on the coding strand, the complement: TTC21B is on the minus strand). VCF-style: chr2-165930211-C-A. GRCh37 (hg19) VCF-style: chr2-166786721-C-A.
Other names: c.1048G>T (NM_024753.3); short protein forms A350S.
Identifiers: ClinVar variation 1034074 (VCV001034074.7), dbSNP rs752711108, ClinGen allele CA1942256.
Genomic context (GRCh38, chr2:165,930,211, plus strand): 5'-TTATGAAAACAGTTGTCATACCAACTAGGGCAGACACACTAGTCTCATCAAGTGTCATGG[C>A]GGTCTTATACCACTTCAGTGCCTCTTTAACTCTTCCTTGTAAAATCATTTGGTATCCAAG-3'
Protein context (NP_079029.3, residues 340-360): VKEALKWYKT[Ala350Ser]MTLDETSVSA